The following is an entry in ClinVar:

NM_000051.4(ATM):c.5039C>G (p.Pro1680Arg)

Gene: ATM (ATM serine/threonine kinase; plus strand). Cytogenetic location: 11q22.3.
Variant type: single nucleotide variant.
Coding change: c.5039C>G on transcript NM_000051.4 (MANE Select); coding-DNA position 5039, C replaced by G.
Protein change: p.Pro1680Arg; replaces proline 1680 with arginine.
Molecular consequence: missense variant.
Genome position (GRCh38, 1-based): chr11:108,299,747, C>G. VCF-style: chr11-108299747-C-G. GRCh37 (hg19) VCF-style: chr11-108170474-C-G.
Other names: c.5039C>G, p.Pro1680Arg (NM_001351834.2); short protein forms P1680R.
Identifiers: ClinVar variation 524249 (VCV000524249.7), dbSNP rs587782153, ClinGen allele CA382540338.
Genomic context (GRCh38, chr11:108,299,747, plus strand): 5'-CTACTGAAATAGAATTTCTATATGTAGAGGCTGTTGGAAGCTGCTTGGGAGAAGTGGGTC[C>G]TATAGATTTCTCTACCATAGCTATACAACATAGTAAAGATGCATCTTATACCAAGGCCCT-3'
Protein context (NP_000042.3, residues 1670-1690): AVGSCLGEVG[Pro1680Arg]IDFSTIAIQH

ClinVar aggregate classification (germline): Uncertain significance (1 of 4 stars; one submission).

Conditions:
Ataxia-telangiectasia syndrome (AT). Also called: ATAXIA-TELANGIECTASIA, COMPLEMENTATION GROUP A; ATAXIA-TELANGIECTASIA, FRESNO VARIANT; Ataxia-telangiectasia; Ataxia-telangiectasia, complementation group D; AT, COMPLEMENTATION GROUP C; Ataxia-telangiectasia, complementation group E. Identifiers: Orphanet 100, MedGen C0004135, MONDO:0008840, OMIM 208900.

gnomAD v4.1: 1 of 1,613,822 alleles (0.000062%); highest among the groups gnomAD compares: Non-Finnish European, 0.000085%; no homozygotes.

Submission:

Labcorp Genetics (formerly Invitae), Labcorp
Classification: Uncertain significance for Ataxia-telangiectasia syndrome. Last evaluated: 2025-11-17. Review status: criteria provided, single submitter. Criteria: Invitae Variant Classification Sherloc (09022015). Collection method: clinical testing. Allele origin: germline.
Comment: This sequence change replaces proline, which is neutral and non-polar, with arginine, which is basic and polar, at codon 1680 of the ATM protein (p.Pro1680Arg). This variant is not present in population databases (gnomAD no frequency). This variant has not been reported in the literature in individuals affected with ATM-related conditions. ClinVar contains an entry for this variant (Variation ID: 524249). Invitae Evidence Modeling of protein sequence and biophysical properties (such as structural, functional, and spatial information, amino acid conservation, physicochemical variation, residue mobility, and thermodynamic stability) has been performed for this missense variant. However, the output from this modeling did not meet the statistical confidence thresholds required to predict the impact of this variant on ATM protein function. In summary, the available evidence is currently insufficient to determine the role of this variant in disease. Therefore, it has been classified as a Variant of Uncertain Significance.